The following is an entry in ClinVar:

ClinVar aggregate classification (germline): Pathogenic (1 of 4 stars; one submission).

Submission:

GeneDx
Classification: Pathogenic. Last evaluated: 2017-12-19. Review status: criteria provided, single submitter. Criteria: GeneDx Variant Classification (06012015). Collection method: clinical testing. Allele origin: germline. Affected: yes.
Comment: The c.646dupC variant causes a frameshift starting with codon Histidine 216, changes this amino acid to a Proline residue and creates a premature Stop codon at position 88 of the new reading frame, denoted p.His216ProfsX88. This variant is predicted to cause loss of normal protein function either through protein truncation or nonsense-mediated mRNA decay. The variant is not observed in large population cohorts (Lek et al., 2016). Although this variant has not been previously reported to our knowledge, we consider it to be pathogenic.

NM_001002295.2(GATA3):c.646dup (p.His216fs)

Gene: GATA3 (GATA binding protein 3; plus strand). Cytogenetic location: 10p14.
Variant type: Duplication.
Coding change: c.646dup on transcript NM_001002295.2 (MANE Select); coding-DNA position 646, one base duplicated (C; older notation c.646dupC).
Protein change: p.His216fs; shifts the reading frame from histidine 216.
Molecular consequence: frameshift variant.
Genome position (GRCh38, 1-based): chr10:8,058,709, C duplicated; the last of 3 consecutive C bases (chr10:8,058,707-8,058,709); duplicating any one gives the same sequence. VCF-style (leftmost placement, unchanged base first): chr10-8058706-A-AC. GRCh37 (hg19) VCF-style: chr10-8100669-A-AC.
Other names: c.646dup, p.His216fs (NM_002051.3); c.646dupC (NM_001002295.1); short protein forms H216fs.
Identifiers: ClinVar variation 503787 (VCV000503787.2), dbSNP rs1554794885, ClinGen allele CA645553561.